The following is an entry in ClinVar:

ClinVar aggregate classification (germline): Uncertain significance (1 of 4 stars; one submission).

Allele frequency attached by ClinVar (database versions not stated): ExAC 0.00013; gnomAD 0.00018; TOPMed 0.00020; ESP Exome Variant Server 0.00031; gnomAD exomes 0.00038.
gnomAD v4.1: 568 of 1,613,404 alleles (0.035%); highest among the groups gnomAD compares: Non-Finnish European, 0.046%; no homozygotes.

Submission:

Labcorp Genetics (formerly Invitae), Labcorp
Classification: Uncertain significance. Last evaluated: 2025-08-11. Review status: criteria provided, single submitter. Criteria: Invitae Variant Classification Sherloc (09022015). Collection method: clinical testing. Allele origin: germline.
Comment: This sequence change replaces glycine, which is neutral and non-polar, with arginine, which is basic and polar, at codon 417 of the CYP7A1 protein (p.Gly417Arg). This variant is present in population databases (rs201787113, gnomAD 0.03%). This variant has not been reported in the literature in individuals affected with CYP7A1-related conditions. ClinVar contains an entry for this variant (Variation ID: 2056243). An algorithm developed to predict the effect of missense changes on protein structure and function outputs the following: PolyPhen-2: "Benign". The arginine amino acid residue is found in multiple mammalian species, which suggests that this missense change does not adversely affect protein function. In summary, the available evidence is currently insufficient to determine the role of this variant in disease. Therefore, it has been classified as a Variant of Uncertain Significance.

NM_000780.4(CYP7A1):c.1249G>A (p.Gly417Arg)

Gene: CYP7A1 (cytochrome P450 family 7 subfamily A member 1; minus strand). Cytogenetic location: 8q12.1.
Variant type: single nucleotide variant.
Coding change: c.1249G>A on transcript NM_000780.4 (MANE Select); coding-DNA position 1249, G replaced by A.
Protein change: p.Gly417Arg; replaces glycine 417 with arginine.
Molecular consequence: missense variant.
Genome position (GRCh38, 1-based): chr8:58,491,741, C>T on the plus strand (G>A on the coding strand, the complement: CYP7A1 is on the minus strand). VCF-style: chr8-58491741-C-T. GRCh37 (hg19) VCF-style: chr8-59404300-C-T.
Other names: short protein forms G417R.
Identifiers: ClinVar variation 2056243 (VCV002056243.4), dbSNP rs201787113, ClinGen allele CA4756592.
Genomic context (GRCh38, chr8:58,491,741, plus strand): 5'-AGGGCATGTAGTAATACTTTAACTTGAGTCCATTACAATAGAAGGTAGTCTTTGTCTTCC[C>T]GTTTTCATCAAGATACCTATCATATTTAAAAGTCTGCAATAAAAATACAAAGAAAACCGC-3'
Protein context (NP_000771.2, residues 407-427): FKYDRYLDEN[Gly417Arg]KTKTTFYCNG